The following is an entry in ClinVar:

NM_004360.5(CDH1):c.807G>T (p.Gly269=)

Gene: CDH1 (cadherin 1; plus strand). Cytogenetic location: 16q22.1.
Variant type: single nucleotide variant.
Coding change: c.807G>T on transcript NM_004360.5 (MANE Select); coding-DNA position 807, G replaced by T.
Protein change: p.Gly269=; no amino-acid change (glycine 269 retained).
Molecular consequence: synonymous variant. On other transcripts: 5 prime UTR variant (2).
Genome position (GRCh38, 1-based): chr16:68,810,316, G>T. VCF-style: chr16-68810316-G-T. GRCh37 (hg19) VCF-style: chr16-68844219-G-T.
Other names: c.807G>T, p.Gly269= (NM_001317184.2); c.-809G>T (NM_001317185.2); c.-1013G>T (NM_001317186.2).
Identifiers: ClinVar variation 630680 (VCV000630680.3), dbSNP rs1399656182, ClinGen allele CA496152816.

ClinVar aggregate classification (germline): Benign/Likely benign. Review status: criteria provided, multiple submitters, no conflicts (2 of 4 stars). 2 submissions from 2 submitters: Benign (1); Likely benign (1). Last evaluated 2024-09-16.

Conditions:
Hereditary cancer-predisposing syndrome. Also called: Hereditary Cancer Syndrome; Neoplastic Syndromes, Hereditary; Tumor predisposition; Hereditary neoplastic syndrome. Identifiers: Orphanet 140162, MedGen C0027672, MeSH D009386, MONDO:0015356.
Hereditary diffuse gastric adenocarcinoma (HDGC). Also called: DIFFUSE GASTRIC AND LOBULAR BREAST CANCER SYNDROME. Identifiers: Orphanet 26106, MedGen C1708349, MONDO:0007648, OMIM 137215.

Allele frequency attached by ClinVar (database versions not stated): TOPMed below 0.00001.

Submissions (2):

Myriad Genetics, Inc.
Classification: Benign for Hereditary diffuse gastric adenocarcinoma. Last evaluated: 2024-09-16. Review status: criteria provided, single submitter. Criteria: Myriad Autosomal Dominant, Autosomal Recessive and X-Linked Classification Criteria (2023). Collection method: clinical testing. Allele origin: unknown.
Comment: This variant is considered benign. This variant is a silent/synonymous amino acid change and it is not expected to impact splicing.

Color Diagnostics, LLC DBA Color Health
Classification: Likely benign for Hereditary cancer-predisposing syndrome. Last evaluated: 2017-10-08. Review status: criteria provided, single submitter. Criteria: ACMG Guidelines, 2015. Collection method: clinical testing. Allele origin: germline.